The following is an entry in ClinVar:

ClinVar aggregate classification (germline): Uncertain significance (1 of 4 stars; one submission).

Conditions:
Cardiovascular phenotype. Identifiers: MedGen CN230736.

Allele frequency attached by ClinVar (database versions not stated): gnomAD exomes 0.00001.
gnomAD v4.1: 13 of 1,611,508 alleles (0.00081%); highest among the groups gnomAD compares: Non-Finnish European, 0.0011%; no homozygotes.

Submission:

Ambry Genetics
Classification: Uncertain significance for Cardiovascular phenotype. Last evaluated: 2023-11-01. Review status: criteria provided, single submitter. Criteria: Ambry Variant Classification Scheme 2023. Collection method: clinical testing. Allele origin: germline.
Comment: The p.A3364T variant (also known as c.10090G>A), located in coding exon 29 of the TNXB gene, results from a G to A substitution at nucleotide position 10090. The alanine at codon 3364 is replaced by threonine, an amino acid with similar properties. This amino acid position is conserved. In addition, this alteration is predicted to be tolerated by in silico analysis. Since supporting evidence is limited at this time, the clinical significance of this alteration remains unclear.

NM_001365276.2(TNXB):c.10096G>A (p.Ala3366Thr)

Gene: TNXB (tenascin XB; minus strand). Cytogenetic location: 6p21.33.
Variant type: single nucleotide variant.
Coding change: c.10096G>A on transcript NM_001365276.2 (MANE Select); coding-DNA position 10096, G replaced by A.
Protein change: p.Ala3366Thr; replaces alanine 3366 with threonine.
Molecular consequence: missense variant.
Genome position (GRCh38, 1-based): chr6:32,047,962, C>T on the plus strand (G>A on the coding strand, the complement: TNXB is on the minus strand). VCF-style: chr6-32047962-C-T. GRCh37 (hg19) VCF-style: chr6-32015739-C-T.
Other names: c.10837G>A, p.Ala3613Thr (NM_001428335.1); c.10090G>A, p.Ala3364Thr (NM_019105.8); short protein forms A3364T, A3366T, A3613T.
Identifiers: ClinVar variation 3227220 (VCV003227220.1), dbSNP rs1184366522, ClinGen allele CA363532464.